The following is an entry in ClinVar:

NM_000535.7(PMS2):c.1171G>T (p.Asp391Tyr)

Gene: PMS2 (PMS1 homolog 2, mismatch repair system component; minus strand). Cytogenetic location: 7p22.1.
Variant type: single nucleotide variant.
Coding change: c.1171G>T on transcript NM_000535.7 (MANE Select); coding-DNA position 1171, G replaced by T.
Protein change: p.Asp391Tyr; replaces aspartic acid 391 with tyrosine.
Molecular consequence: missense variant. On other transcripts: non-coding transcript variant (1).
Genome position (GRCh38, 1-based): chr7:5,987,594, C>A on the plus strand (G>T on the coding strand, the complement: PMS2 is on the minus strand). VCF-style: chr7-5987594-C-A. GRCh37 (hg19) VCF-style: chr7-6027225-C-A.
Other names: c.766G>T, p.Asp256Tyr (NM_001322003.2, NM_001322004.2, NM_001322005.2 and 1 more transcripts); c.1015G>T, p.Asp339Tyr (NM_001322006.2); c.853G>T, p.Asp285Tyr (NM_001322007.2, NM_001322008.2); c.610G>T, p.Asp204Tyr (NM_001322010.2); c.238G>T, p.Asp80Tyr (NM_001322011.2, NM_001322012.2); c.598G>T, p.Asp200Tyr (NM_001322013.2); c.1171G>T, p.Asp391Tyr (NM_001322014.2); c.862G>T, p.Asp288Tyr (NM_001322015.2); short protein forms D391Y, D80Y, D285Y, D288Y, D339Y, D200Y, D204Y, D256Y.
Identifiers: ClinVar variation 421266 (VCV000421266.17), dbSNP rs1064795020, ClinGen allele CA16618515.
Genomic context (GRCh38, chr7:5,987,594, plus strand): 5'-CTTCTCCAGTCCTTAATGAAGGGGATTGATCCTGCTTTTCTACCATGGGCTTTTCCAAAT[C>A]CGCTGCATGCATTTTTATTAAGTTACCTAAGCAAACGTGGACGGAGAAGAGGGTCAGGGA-3'
Protein context (NP_000526.2, residues 381-401): EGNLIKMHAA[Asp391Tyr]LEKPMVEKQD

ClinVar aggregate classification (germline): Uncertain significance. Review status: criteria provided, multiple submitters, no conflicts (2 of 4 stars). 7 submissions from 7 submitters: Uncertain significance (7). Last evaluated 2025-06-25.

Conditions:
Hereditary nonpolyposis colorectal neoplasms. Identifiers: MedGen C0009405, MeSH D003123.
Hereditary cancer-predisposing syndrome. Also called: Tumor predisposition; Hereditary Cancer Syndrome; Hereditary neoplastic syndrome; Neoplastic Syndromes, Hereditary. Identifiers: Orphanet 140162, MedGen C0027672, MeSH D009386, MONDO:0015356.
Lynch syndrome 4 (LYNCH4). Also called: Hereditary non-polyposis colorectal cancer, type 4; Colorectal cancer, hereditary nonpolyposis, type 4. Identifiers: Orphanet 144, MedGen C1838333, MONDO:0013699, OMIM 614337. Disease mechanism: loss of function.

Allele frequency attached by ClinVar (database versions not stated): gnomAD exomes 0.00001.
gnomAD v4.1: 4 of 1,605,610 alleles (0.00025%); highest among the groups gnomAD compares: Non-Finnish European, 0.00034%; no homozygotes.

Submissions (7):

Labcorp Genetics (formerly Invitae), Labcorp
Classification: Uncertain significance for Hereditary nonpolyposis colorectal neoplasms. Last evaluated: 2025-06-25. Review status: criteria provided, single submitter. Criteria: Invitae Variant Classification Sherloc (09022015). Collection method: clinical testing. Allele origin: germline.
Comment: This sequence change replaces aspartic acid, which is acidic and polar, with tyrosine, which is neutral and polar, at codon 391 of the PMS2 protein (p.Asp391Tyr). This variant is not present in population databases (gnomAD no frequency). This missense change has been observed in individual(s) with hereditary cancer (PMID: 31159747). ClinVar contains an entry for this variant (Variation ID: 421266). Invitae Evidence Modeling incorporating data from in vitro experimental studies (internal data) indicates that this missense variant is not expected to disrupt PMS2 function with a negative predictive value of 95%. In summary, the available evidence is currently insufficient to determine the role of this variant in disease. Therefore, it has been classified as a Variant of Uncertain Significance.

Blueprint Genetics
Classification: Uncertain significance. Last evaluated: 2024-06-17. Review status: criteria provided, single submitter. Criteria: ACMG Guidelines, 2015. Collection method: clinical testing. Allele origin: germline.

Ambry Genetics
Classification: Uncertain significance for Hereditary cancer-predisposing syndrome. Last evaluated: 2023-12-07. Review status: criteria provided, single submitter. Criteria: Ambry Variant Classification Scheme 2023. Collection method: clinical testing. Allele origin: germline.
Comment: The p.D391Y variant (also known as c.1171G>T), located in coding exon 11 of the PMS2 gene, results from a G to T substitution at nucleotide position 1171. The aspartic acid at codon 391 is replaced by tyrosine, an amino acid with highly dissimilar properties. This alteration has been reported in 1/1197 individuals from Greece, Romania, and Turkey undergoing evaluation for inherited cancer predisposition (Tsaousis GN et al. BMC Cancer, 2019 Jun;19:535). This amino acid position is poorly conserved in available vertebrate species. In addition, the in silico prediction for this alteration is inconclusive. Since supporting evidence is limited at this time, the clinical significance of this alteration remains unclear.

Baylor Genetics
Classification: Uncertain significance for Lynch syndrome 4. Last evaluated: 2023-12-07. Review status: criteria provided, single submitter. Criteria: ACMG Guidelines, 2015. Collection method: clinical testing. Allele origin: unknown.

Color Diagnostics, LLC DBA Color Health
Classification: Uncertain significance for Hereditary cancer-predisposing syndrome. Last evaluated: 2018-12-26. Review status: criteria provided, single submitter. Criteria: ACMG Guidelines, 2015. Collection method: clinical testing. Allele origin: germline.

GeneKor MSA
Classification: Uncertain significance for Hereditary cancer-predisposing syndrome. Last evaluated: 2018-08-01. Review status: criteria provided, single submitter. Criteria: ACMG Guidelines, 2015. Collection method: clinical testing. Allele origin: germline. Affected: yes.

GeneDx
Classification: Uncertain significance. Last evaluated: 2016-11-30. Review status: criteria provided, single submitter. Criteria: GeneDx Variant Classification (06012015). Collection method: clinical testing. Allele origin: germline. Affected: yes.
Comment: This variant is denoted PMS2 c.1171G>T at the cDNA level, p.Asp391Tyr (D391Y) at the protein level, and results in the change of an Aspartic Acid to a Tyrosine (GAT>TAT). This variant has not, to our knowledge, been published in the literature as pathogenic or benign. PMS2 Asp391Tyr was not observed in approximately 6,300 individuals of European and African American ancestry in the NHLBI Exome Sequencing Project, suggesting it is not a common benign variant in these populations. Since Aspartic Acid and Tyrosine differ in polarity, charge, size or other properties, this is considered a non-conservative amino acid substitution. PMS2 Asp391Tyr occurs at a position that is not conserved and is not located in a known functional domain (Guarne 2001, Fukui 2011). In silico analyses are inconsistent regarding the effect this variant may have on protein structure and function. Based on currently available evidence, it is unclear whether PMS2 Asp391Tyr is a pathogenic or benign variant. We consider it to be a variant of uncertain significance.

Literature cited by the submitters: PubMed 31159747 (cited by Labcorp Genetics (formerly Invitae), Labcorp and Ambry Genetics).